The following is an entry in ClinVar:

NM_001065.4(TNFRSF1A):c.811C>G (p.Pro271Ala)

Gene: TNFRSF1A (TNF receptor superfamily member 1A; minus strand). Cytogenetic location: 12p13.31.
Variant type: single nucleotide variant.
Coding change: c.811C>G on transcript NM_001065.4 (MANE Select); coding-DNA position 811, C replaced by G.
Protein change: p.Pro271Ala; replaces proline 271 with alanine.
Molecular consequence: missense variant. On other transcripts: non-coding transcript variant (1).
Genome position (GRCh38, 1-based): chr12:6,330,024, G>C on the plus strand (C>G on the coding strand, the complement: TNFRSF1A is on the minus strand). VCF-style: chr12-6330024-G-C. GRCh37 (hg19) VCF-style: chr12-6439190-G-C.
Other names: c.487C>G, p.Pro163Ala (NM_001346091.2); c.352C>G, p.Pro118Ala (NM_001346092.2); short protein forms P163A, P118A, P271A.
Identifiers: ClinVar variation 655770 (VCV000655770.10), dbSNP rs202207247, ClinGen allele CA383546120.

ClinVar aggregate classification (germline): Uncertain significance (1 of 4 stars; one submission).

Conditions:
TNF receptor-associated periodic fever syndrome (TRAPS) (FPF). Also called: FAMILIAL HIBERNIAN FEVER; Autosomal Dominant Familial Periodic Fever; TNF Receptor-Associated Periodic Fever Syndrome; TNF receptor 1-associated periodic fever syndrome; TNF RECEPTOR-ASSOCIATED PERIODIC SYNDROME; TUMOR NECROSIS FACTOR RECEPTOR-ASSOCIATED PERIODIC SYNDROME. Identifiers: Orphanet 32960, MedGen C1275126, MONDO:0007727, OMIM 142680.

Allele frequency attached by ClinVar (database versions not stated): TOPMed 0.00001.
gnomAD v4.1: 6 of 1,611,944 alleles (0.00037%); highest among the groups gnomAD compares: South Asian, 0.0011%; no homozygotes.

Submission:

Labcorp Genetics (formerly Invitae), Labcorp
Classification: Uncertain significance for TNF receptor-associated periodic fever syndrome (TRAPS). Last evaluated: 2024-02-10. Review status: criteria provided, single submitter. Criteria: Invitae Variant Classification Sherloc (09022015). Collection method: clinical testing. Allele origin: germline.
Comment: This sequence change replaces proline, which is neutral and non-polar, with alanine, which is neutral and non-polar, at codon 271 of the TNFRSF1A protein (p.Pro271Ala). This variant is present in population databases (no rsID available, gnomAD 0.003%). This variant has not been reported in the literature in individuals affected with TNFRSF1A-related conditions. ClinVar contains an entry for this variant (Variation ID: 655770). Algorithms developed to predict the effect of missense changes on protein structure and function output the following: SIFT: "Not Available"; PolyPhen-2: "Benign"; Align-GVGD: "Not Available". The alanine amino acid residue is found in multiple mammalian species, which suggests that this missense change does not adversely affect protein function. In summary, the available evidence is currently insufficient to determine the role of this variant in disease. Therefore, it has been classified as a Variant of Uncertain Significance.